The following is an entry in ClinVar:

NM_001271.4(CHD2):c.2821C>T (p.Gln941Ter)

Gene: CHD2 (chromodomain helicase DNA binding protein 2; plus strand). Cytogenetic location: 15q26.1.
Variant type: single nucleotide variant.
Coding change: c.2821C>T on transcript NM_001271.4 (MANE Select); coding-DNA position 2821, C replaced by T.
Protein change: p.Gln941Ter; replaces glutamine 941 with a stop codon.
Molecular consequence: nonsense.
Genome position (GRCh38, 1-based): chr15:92,979,228, C>T. VCF-style: chr15-92979228-C-T. GRCh37 (hg19) VCF-style: chr15-93522458-C-T.
Other names: short protein forms Q941*.
Identifiers: ClinVar variation 1423961 (VCV001423961.6), dbSNP rs2141844243, ClinGen allele CA393894213.
Genomic context (GRCh38, chr15:92,979,228, plus strand): 5'-GTGGAGGAGGAGATCATAGAACGGGCCAAAAAGAAGATGGTATTAGATCATCTGGTGATT[C>T]AGCGCATGGACACCACTGGCCGGACGATCCTGGAAAACAACTCAGGAAGGTCCAAGTAAG-3'

ClinVar aggregate classification (germline): Pathogenic (1 of 4 stars; one submission).

Conditions:
Developmental and epileptic encephalopathy 94 (DEE94). Also called: CHD2-Related Neurodevelopmental Disorders; Epileptic encephalopathy, childhood-onset. Identifiers: Orphanet 1942, Orphanet 2382, MedGen C3809278, MONDO:0014150, OMIM 615369.

Submission:

Labcorp Genetics (formerly Invitae), Labcorp
Classification: Pathogenic for Developmental and epileptic encephalopathy 94. Last evaluated: 2021-08-18. Review status: criteria provided, single submitter. Criteria: Invitae Variant Classification Sherloc (09022015). Collection method: clinical testing. Allele origin: germline.
Comment: This sequence change creates a premature translational stop signal (p.Gln941*) in the CHD2 gene. It is expected to result in an absent or disrupted protein product. Loss-of-function variants in CHD2 are known to be pathogenic (PMID: 23708187, 24207121). This variant is not present in population databases (ExAC no frequency). This variant has not been reported in the literature in individuals affected with CHD2-related conditions. For these reasons, this variant has been classified as Pathogenic.

Literature cited by the submitters: PubMed 23708187; PubMed 24207121.